The following is an entry in ClinVar:

ClinVar aggregate classification (germline): Uncertain significance (1 of 4 stars; one submission).

Conditions:
Familial sleep-related hypermotor epilepsy. Also called: Autosomal Dominant Sleep-Related Hypermotor (Hyperkinetic) Epilepsy. Identifiers: Orphanet 98784, MedGen C3696898, MONDO:0000030.

Submission:

Labcorp Genetics (formerly Invitae), Labcorp
Classification: Uncertain significance. Last evaluated: 2023-11-03. Review status: criteria provided, single submitter. Criteria: Invitae Variant Classification Sherloc (09022015). Collection method: clinical testing. Allele origin: germline.
Comment: This sequence change creates a premature translational stop signal (p.Phe144Serfs*34) in the CHRNA4 gene. It is expected to result in an absent or disrupted protein product. However, the current clinical and genetic evidence is not sufficient to establish whether loss-of-function variants in CHRNA4 cause disease. This variant is not present in population databases (gnomAD no frequency). This variant has not been reported in the literature in individuals affected with CHRNA4-related conditions. This premature translational stop signal has been observed in at least one individual who was not affected with CHRNA4-related conditions (Invitae). ClinVar contains an entry for this variant (Variation ID: 855758). In summary, the available evidence is currently insufficient to determine the role of this variant in disease. Therefore, it has been classified as a Variant of Uncertain Significance.

NM_000744.7(CHRNA4):c.431del (p.Phe144fs)

Gene: CHRNA4 (cholinergic receptor nicotinic alpha 4 subunit; minus strand). Cytogenetic location: 20q13.33.
Variant type: Deletion.
Coding change: c.431del on transcript NM_000744.7 (MANE Select); coding-DNA position 431, one base deleted (T; older notation c.431delT).
Protein change: p.Phe144fs; shifts the reading frame from phenylalanine 144.
Molecular consequence: frameshift variant. On other transcripts: 5 prime UTR variant (1), non-coding transcript variant (1).
Genome position (GRCh38, 1-based): chr20:63,350,980, A deleted on the plus strand (T on the coding strand, the reverse complement: CHRNA4 is on the minus strand); the first of 2 consecutive A bases (chr20:63,350,980-63,350,981); deleting either gives the same sequence. VCF-style (leftmost placement, unchanged base first): chr20-63350979-GA-G. GRCh37 (hg19) VCF-style: chr20-61982331-GA-G.
Other names: c.-98del (NM_001256573.2); short protein forms F144fs.
Identifiers: ClinVar variation 855758 (VCV000855758.7), dbSNP rs2068588736, ClinGen allele CA916083770.